The following is an entry in ClinVar:

NM_001267550.2(TTN):c.63105G>A (p.Gln21035=)

Genes: TTN (titin; minus strand), TTN-AS1 (TTN antisense RNA 1; plus strand). Cytogenetic location: 2q31.2.
Variant type: single nucleotide variant.
Coding change: c.63105G>A on transcript NM_001267550.2 (MANE Select); coding-DNA position 63105, G replaced by A.
Protein change: p.Gln21035=; no amino-acid change (glutamine 21035 retained).
Molecular consequence: synonymous variant.
Genome position (GRCh38, 1-based): chr2:178,588,620, C>T on the plus strand (G>A on the coding strand, the complement: TTN is on the minus strand). VCF-style: chr2-178588620-C-T. GRCh37 (hg19) VCF-style: chr2-179453347-C-T.
Other names: c.58182G>A, p.Gln19394= (NM_001256850.1); c.35910G>A, p.Gln11970= (NM_003319.4); c.55401G>A, p.Gln18467= (NM_133378.4); c.36285G>A, p.Gln12095= (NM_133432.3); c.36486G>A, p.Gln12162= (NM_133437.4).
Identifiers: ClinVar variation 3571637 (VCV003571637.1).

ClinVar aggregate classification (germline): Uncertain significance (1 of 4 stars; one submission).

Submission:

Athena Diagnostics
Classification: Uncertain significance. Last evaluated: 2024-05-24. Review status: criteria provided, single submitter. Criteria: Athena Diagnostics Criteria. Collection method: clinical testing. Allele origin: unknown.
Comment: Available data are insufficient to determine the clinical significance of the variant at this time. This variant has not been reported in large, multi-ethnic general populations. Computational tools yielded predictions that this variant is unlikely to have an effect on normal RNA splicing.